The following is an entry in ClinVar:

NM_001370466.1(NOD2):c.950_951del (p.Ser317fs)

Gene: NOD2 (nucleotide binding oligomerization domain containing 2; plus strand). Cytogenetic location: 16q12.1.
Variant type: Microsatellite.
Coding change: c.950_951del on transcript NM_001370466.1 (MANE Select); coding-DNA positions 950 to 951, 2 bases deleted (CT; older notation c.950_951delCT).
Protein change: p.Ser317fs; shifts the reading frame from serine 317.
Molecular consequence: frameshift variant. On other transcripts: non-coding transcript variant (1).
Genome position (GRCh38, 1-based): chr16:50,710,942-50,710,943, CT deleted; deleting any 2 consecutive bases within chr16:50,710,938-50,710,943 gives the same sequence; the c. name uses the placement nearest the transcript's 3' end. VCF-style (leftmost placement, unchanged base first): chr16-50710937-ACT-A. GRCh37 (hg19) VCF-style: chr16-50744848-ACT-A.
Other names: c.950_951del, p.Ser317fs (NM_001293557.2); c.1027_1028CT[2], p.Ser344Cysfs (NM_022162.1); c.1031_1032del, p.Ser344fs (NM_022162.3); c.1031_1032del (NM_022162.1); short protein forms S317fs, S344fs.
Identifiers: ClinVar variation 4282056 (VCV004282056.1).

ClinVar aggregate classification (germline): Uncertain significance (1 of 4 stars; one submission).

Submission:

GeneDx
Classification: Uncertain significance. Last evaluated: 2025-04-16. Review status: criteria provided, single submitter. Criteria: GeneDx Variant Classification Process June 2021. Collection method: clinical testing. Allele origin: germline. Affected: yes.
Comment: Not observed at significant frequency in large population cohorts (gnomAD); Frameshift variant predicted to result in protein truncation or nonsense mediated decay in a gene or region of a gene for which loss of function is not a well-established mechanism of disease; Has not been previously published as pathogenic or benign to our knowledge